The following is an entry in ClinVar:

NM_000494.4(COL17A1):c.584T>C (p.Ile195Thr)

Gene: COL17A1 (collagen type XVII alpha 1 chain; minus strand). Cytogenetic location: 10q25.1.
Variant type: single nucleotide variant.
Coding change: c.584T>C on transcript NM_000494.4 (MANE Select); coding-DNA position 584, T replaced by C.
Protein change: p.Ile195Thr; replaces isoleucine 195 with threonine.
Molecular consequence: missense variant.
Genome position (GRCh38, 1-based): chr10:104,070,449, A>G on the plus strand (T>C on the coding strand, the complement: COL17A1 is on the minus strand). VCF-style: chr10-104070449-A-G. GRCh37 (hg19) VCF-style: chr10-105830207-A-G.
Other names: c.584T>C, p.Ile195Thr (LRG_1249t1); short protein forms I195T.
Identifiers: ClinVar variation 298748 (VCV000298748.8), dbSNP rs886046690, ClinGen allele CA10628010.

ClinVar aggregate classification (germline): Uncertain significance. Review status: criteria provided, multiple submitters, no conflicts (2 of 4 stars). 2 submissions from 2 submitters: Uncertain significance (2). Last evaluated 2023-12-20.

Conditions:
Junctional epidermolysis bullosa, non-Herlitz type. Also called: EPIDERMOLYSIS BULLOSA JUNCTIONALIS, DISENTIS TYPE; EPIDERMOLYSIS BULLOSA JUNCTIONALIS, NON-HERLITZ TYPE; EPIDERMOLYSIS BULLOSA JUNCTIONALIS, PROGRESSIVE; EPIDERMOLYSIS BULLOSA JUNCTIONALIS, SEVERE NONLETHAL; Adult junctional epidermolysis bullosa; Epidermolysis bullosa, junctional, non-herlitz type, somatic mosaic revertant. Identifiers: Orphanet 251393, Orphanet 79402, Orphanet 79405, Orphanet 89840, MedGen C0268374, MONDO:0009180, OMIM 226650.

Allele frequency attached by ClinVar (database versions not stated): gnomAD exomes below 0.00001 and 0.00001; gnomAD 0.00001.
gnomAD v4.1: 8 of 1,613,832 alleles (0.0005%); highest among the groups gnomAD compares: East Asian, 0.0022%; no homozygotes.

Submissions (2):

Labcorp Genetics (formerly Invitae), Labcorp
Classification: Uncertain significance. Last evaluated: 2023-12-20. Review status: criteria provided, single submitter. Criteria: Invitae Variant Classification Sherloc (09022015). Collection method: clinical testing. Allele origin: germline.
Comment: This sequence change replaces isoleucine, which is neutral and non-polar, with threonine, which is neutral and polar, at codon 195 of the COL17A1 protein (p.Ile195Thr). This variant is present in population databases (no rsID available, gnomAD 0.002%). This variant has not been reported in the literature in individuals affected with COL17A1-related conditions. ClinVar contains an entry for this variant (Variation ID: 298748). Advanced modeling of protein sequence and biophysical properties (such as structural, functional, and spatial information, amino acid conservation, physicochemical variation, residue mobility, and thermodynamic stability) performed at Invitae indicates that this missense variant is not expected to disrupt COL17A1 protein function with a negative predictive value of 80%. In summary, the available evidence is currently insufficient to determine the role of this variant in disease. Therefore, it has been classified as a Variant of Uncertain Significance.

Illumina Laboratory Services, Illumina
Classification: Uncertain significance for Junctional epidermolysis bullosa, non-Herlitz type. Last evaluated: 2018-01-13. Review status: criteria provided, single submitter. Criteria: ICSL Variant Classification Criteria 13 December 2019. Collection method: clinical testing. Allele origin: germline.